The following is an entry in ClinVar:

ClinVar aggregate classification (germline): Uncertain significance. Review status: criteria provided, multiple submitters, no conflicts (2 of 4 stars). 4 submissions from 4 submitters: Uncertain significance (4). Last evaluated 2026-08-01.

Conditions:
Inborn genetic diseases. Identifiers: MedGen C0950123, MeSH D030342.
Drash syndrome (DDS). Also called: NEPHROPATHY, WILMS TUMOR, AND GENITAL ANOMALIES; WILMS TUMOR AND PSEUDO- OR TRUE HERMAPHRODITISM. Identifiers: Orphanet 220, MedGen C0950121, MONDO:0008682, OMIM 194080.
Frasier syndrome. Identifiers: Orphanet 347, MedGen C0950122, MeSH D052159, MONDO:0007635, OMIM 136680.
Wilms tumor 1 (WT1). Also called: Wilms tumor, somatic. Identifiers: Orphanet 654, MedGen CN033288, MONDO:0008679, OMIM 194070.
11p partial monosomy syndrome (WAGR). Also called: WAGR syndrome; WAGR Spectrum Disorder; WAGR Complex; CHROMOSOME 11p13 DELETION SYNDROME. Identifiers: Orphanet 893, MedGen C0206115, MONDO:0008681, OMIM 194072.
Meacham syndrome. Also called: Meacham Winn Culler syndrome. Identifiers: Orphanet 3097, MedGen C1837026, MONDO:0012164, OMIM 608978.
Aniridia 1 (AN1). Identifiers: Orphanet 250923, MedGen C0344542, MONDO:0024507, OMIM 106210.
Mesothelioma, malignant (MESOM). Also called: Malignant mesothelioma (disease). Identifiers: Orphanet 50251, MedGen C0345967, MONDO:0006292, OMIM 156240, HP:0100001.
Nephrotic syndrome, type 4 (NPHS4). Also called: Familial mesangial sclerosis; Nephrotic syndrome, early onset with diffuse mesangial sclerosis. Identifiers: Orphanet 656, MedGen C3151568, MONDO:0009733, OMIM 256370.

Allele frequency attached by ClinVar (database versions not stated): TOPMed below 0.00001; gnomAD exomes 0.00003.
gnomAD v4.1: 41 of 1,612,664 alleles (0.0025%); highest among the groups gnomAD compares: Non-Finnish European, 0.0033%; no homozygotes.

Submissions (4):

CeGaT Center for Human Genetics Tuebingen
Classification: Uncertain significance. Last evaluated: 2026-08-01. Review status: criteria provided, single submitter. Criteria: CeGaT Center For Human Genetics Tuebingen Variant Classification Criteria Version 2. Collection method: clinical testing. Allele origin: germline. Affected: yes. Observed: 1 variant allele.

Ambry Genetics
Classification: Uncertain significance for Inborn genetic diseases. Last evaluated: 2026-01-02. Review status: criteria provided, single submitter. Criteria: Ambry Variant Classification Scheme 2023. Collection method: clinical testing. Allele origin: germline.
Comment: The p.Q192H variant (also known as c.576G>T), located in coding exon 1 of the WT1 gene, results from a G to T substitution at nucleotide position 576. The glutamine at codon 192 is replaced by histidine, an amino acid with highly similar properties. This amino acid position is highly conserved in available vertebrate species. In addition, the in silico prediction for this alteration is inconclusive. Based on the available evidence, the clinical significance of this variant remains unclear.

Labcorp Genetics (formerly Invitae), Labcorp
Classification: Uncertain significance for Wilms tumor 1; Drash syndrome; 11p partial monosomy syndrome; Frasier syndrome. Last evaluated: 2023-01-20. Review status: criteria provided, single submitter. Criteria: Invitae Variant Classification Sherloc (09022015). Collection method: clinical testing. Allele origin: germline.
Comment: Advanced modeling of protein sequence and biophysical properties (such as structural, functional, and spatial information, amino acid conservation, physicochemical variation, residue mobility, and thermodynamic stability) has been performed at Invitae for this missense variant, however the output from this modeling did not meet the statistical confidence thresholds required to predict the impact of this variant on WT1 protein function. This sequence change replaces glutamine, which is neutral and polar, with histidine, which is basic and polar, at codon 192 of the WT1 protein (p.Gln192His). This variant is not present in population databases (gnomAD no frequency). This variant has not been reported in the literature in individuals affected with WT1-related conditions. ClinVar contains an entry for this variant (Variation ID: 665246). In summary, the available evidence is currently insufficient to determine the role of this variant in disease. Therefore, it has been classified as a Variant of Uncertain Significance.

Fulgent Genetics
Classification: Uncertain significance for Aniridia 1; Frasier syndrome; Mesothelioma, malignant; Wilms tumor 1; 11p partial monosomy syndrome; Drash syndrome; Nephrotic syndrome, type 4; Meacham syndrome. Last evaluated: 2021-12-26. Review status: criteria provided, single submitter. Criteria: ACMG Guidelines, 2015. Collection method: clinical testing. Allele origin: unknown.

NM_024426.6(WT1):c.591G>T (p.Gln197His)

Genes: WT1 (WT1 transcription factor; minus strand), LOC107982234 (WT1/WT1-AS bi-directional promoter region; plus strand). Cytogenetic location: 11p13.
Variant type: single nucleotide variant.
Coding change: c.591G>T on transcript NM_024426.6 (MANE Select); coding-DNA position 591, G replaced by T.
Protein change: p.Gln197His; replaces glutamine 197 with histidine.
Molecular consequence: missense variant. On other transcripts: non-coding transcript variant (1).
Genome position (GRCh38, 1-based): chr11:32,434,770, C>A on the plus strand (G>T on the coding strand, the complement: WT1 is on the minus strand). VCF-style: chr11-32434770-C-A. GRCh37 (hg19) VCF-style: chr11-32456316-C-A.
Other names: c.591G>T, p.Gln197His (NM_000378.6, NM_024424.5); short protein forms Q197H.
Identifiers: ClinVar variation 665246 (VCV000665246.9), dbSNP rs767850217, ClinGen allele CA379964577.
Genomic context (GRCh38, chr11:32,434,770, plus strand): 5'-AATAGCGGGCTGGCTCTCGAGGCAGCTGGGCAGGTAGGGCGCGTTAGGAAACATCCTGGC[C>A]TGGCCGGATGACGCCTGGCTGGGCGGAGGAGGACCGAAGGGCCCGTAGCGACAGGCTCCG-3'
Protein context (NP_077744.4, residues 187-207): PPPPSQASSG[Gln197His]ARMFPNAPYL